The following is an entry in ClinVar:

ClinVar aggregate classification (germline): Uncertain significance (1 of 4 stars; one submission).

Submission:

GeneDx
Classification: Uncertain significance. Last evaluated: 2024-07-26. Review status: criteria provided, single submitter. Criteria: GeneDx Variant Classification Process June 2021. Collection method: clinical testing. Allele origin: germline. Affected: yes.
Comment: Not observed at significant frequency in large population cohorts (gnomAD); Has not been previously published as pathogenic or benign to our knowledge; Canonical splice site variant in a gene for which loss-of-function is not an established mechanism of disease

NM_130847.3(AMOTL1):c.199+2T>C

Gene: AMOTL1 (angiomotin like 1; plus strand). Cytogenetic location: 11q21.
Variant type: single nucleotide variant.
Coding change: c.199+2T>C on transcript NM_130847.3 (MANE Select); the canonical splice donor site of the intron after coding-DNA position 199, T replaced by C.
Molecular consequence: splice donor variant. On other transcripts: intron variant (1).
Genome position (GRCh38, 1-based): chr11:94,795,162, T>C. VCF-style: chr11-94795162-T-C. GRCh37 (hg19) VCF-style: chr11-94528328-T-C.
Other names: c.50-4228T>C (NM_001301007.2).
Identifiers: ClinVar variation 3600592 (VCV003600592.1).